The following is an entry in ClinVar:

ClinVar aggregate classification (germline): Uncertain significance (1 of 4 stars; one submission).

Conditions:
Primary familial hypertrophic cardiomyopathy (HCM). Identifiers: Orphanet 99739, MedGen C0949658, MeSH D024741, MONDO:0024573. Inheritance: Various modes of inheritance.
Dilated cardiomyopathy 1AA (CMD1AA). Also called: CARDIOMYOPATHY, DILATED, 1AA, WITH OR WITHOUT LEFT VENTRICULAR NONCOMPACTION; CARDIOMYOPATHY, FAMILIAL HYPERTROPHIC, 23, WITH OR WITHOUT LEFT VENTRICULAR NONCOMPACTION; Cardiomyopathy, dilated, 1AA, with or without LVNC. Identifiers: Orphanet 154, MedGen C2677338, MONDO:0012808, OMIM 612158.

Allele frequency attached by ClinVar (database versions not stated): gnomAD exomes below 0.00001; TOPMed below 0.00001.
gnomAD v4.1: 1 of 1,614,132 alleles (0.000062%); highest among the groups gnomAD compares: Non-Finnish European, 0.000085%; no homozygotes.

Submission:

Labcorp Genetics (formerly Invitae), Labcorp
Classification: Uncertain significance for Primary familial hypertrophic cardiomyopathy; Dilated cardiomyopathy 1AA. Last evaluated: 2019-08-12. Review status: criteria provided, single submitter. Criteria: Invitae Variant Classification Sherloc (09022015). Collection method: clinical testing. Allele origin: germline.
Comment: This sequence change replaces leucine with valine at codon 402 of the ACTN2 protein (p.Leu402Val). The leucine residue is highly conserved and there is a small physicochemical difference between leucine and valine. This variant is not present in population databases (ExAC no frequency). This variant has not been reported in the literature in individuals with ACTN2-related conditions. Algorithms developed to predict the effect of missense changes on protein structure and function (SIFT, PolyPhen-2, Align-GVGD) all suggest that this variant is likely to be disruptive, but these predictions have not been confirmed by published functional studies and their clinical significance is uncertain. In summary, the available evidence is currently insufficient to determine the role of this variant in disease. Therefore, it has been classified as a Variant of Uncertain Significance.

NM_001103.4(ACTN2):c.1204C>G (p.Leu402Val)

Gene: ACTN2 (actinin alpha 2; plus strand). Cytogenetic location: 1q43.
Variant type: single nucleotide variant.
Coding change: c.1204C>G on transcript NM_001103.4 (MANE Select); coding-DNA position 1204, C replaced by G.
Protein change: p.Leu402Val; replaces leucine 402 with valine.
Molecular consequence: missense variant.
Genome position (GRCh38, 1-based): chr1:236,742,992, C>G. VCF-style: chr1-236742992-C-G. GRCh37 (hg19) VCF-style: chr1-236906292-C-G.
Other names: c.1204C>G, p.Leu402Val (NM_001278343.2); c.580C>G, p.Leu194Val (NM_001278344.2); short protein forms L402V, L194V.
Identifiers: ClinVar variation 953111 (VCV000953111.10), dbSNP rs1304791812, ClinGen allele CA345382352.